The following is an entry in ClinVar:

NM_001329943.3(KIAA0586):c.1259C>T (p.Pro420Leu)

Gene: KIAA0586 (KIAA0586; plus strand). Cytogenetic location: 14q23.1.
Variant type: single nucleotide variant.
Coding change: c.1259C>T on transcript NM_001329943.3 (MANE Select); coding-DNA position 1259, C replaced by T.
Protein change: p.Pro420Leu; replaces proline 420 with leucine.
Molecular consequence: missense variant.
Genome position (GRCh38, 1-based): chr14:58,456,707, C>T. VCF-style: chr14-58456707-C-T. GRCh37 (hg19) VCF-style: chr14-58923425-C-T.
Other names: c.1418C>T, p.Pro473Leu (NM_001244189.2); c.1214C>T, p.Pro405Leu (NM_001244190.2); c.1004C>T, p.Pro335Leu (NM_001244191.2, NM_001329945.2, NM_001364700.1 and 1 more transcripts); c.1127C>T, p.Pro376Leu (NM_001244192.2); c.839C>T, p.Pro280Leu (NM_001244193.2); c.1259C>T, p.Pro420Leu (NM_001329944.2, NM_001329946.2, NM_001329947.2 and 1 more transcripts); short protein forms P420L, P376L, P280L, P473L, P335L, P405L.
Identifiers: ClinVar variation 1405191 (VCV001405191.5), dbSNP rs187783779, ClinGen allele CA7205612.

ClinVar aggregate classification (germline): Uncertain significance (1 of 4 stars; one submission).

Conditions:
Joubert syndrome 23 (JBTS23). Identifiers: Orphanet 475, MedGen C4084822, MONDO:0014664, OMIM 616490.
Short-rib thoracic dysplasia 14 with polydactyly (SRTD14). Identifiers: Orphanet 397715, MedGen C4225286, MONDO:0014688, OMIM 616546.

Allele frequency attached by ClinVar (database versions not stated): gnomAD exomes 0.00002 and 0.00003; ExAC 0.00006; gnomAD 0.00013 and 0.00014; ESP Exome Variant Server 0.00017; TOPMed 0.00019; 1000 Genomes Project 0.00020; 1000 Genomes Project 30x 0.00031.

Submission:

Labcorp Genetics (formerly Invitae), Labcorp
Classification: Uncertain significance for Joubert syndrome 23; Short-rib thoracic dysplasia 14 with polydactyly. Last evaluated: 2022-11-01. Review status: criteria provided, single submitter. Criteria: Invitae Variant Classification Sherloc (09022015). Collection method: clinical testing. Allele origin: germline.
Comment: This sequence change replaces proline, which is neutral and non-polar, with leucine, which is neutral and non-polar, at codon 473 of the KIAA0586 protein (p.Pro473Leu). This variant is present in population databases (rs187783779, gnomAD 0.06%). This variant has not been reported in the literature in individuals affected with KIAA0586-related conditions. ClinVar contains an entry for this variant (Variation ID: 1405191). Advanced modeling of protein sequence and biophysical properties (such as structural, functional, and spatial information, amino acid conservation, physicochemical variation, residue mobility, and thermodynamic stability) performed at Invitae indicates that this missense variant is expected to disrupt KIAA0586 protein function. In summary, the available evidence is currently insufficient to determine the role of this variant in disease. Therefore, it has been classified as a Variant of Uncertain Significance.